The following is an entry in ClinVar:

ClinVar aggregate classification (germline): Pathogenic (1 of 4 stars; one submission).

Submission:

Labcorp Genetics (formerly Invitae), Labcorp
Classification: Pathogenic. Last evaluated: 2022-11-21. Review status: criteria provided, single submitter. Criteria: Invitae Variant Classification Sherloc (09022015). Collection method: clinical testing. Allele origin: germline.
Comment: For these reasons, this variant has been classified as Pathogenic. This variant disrupts a region of the FOXL2 protein in which other variant(s) (p.Ser217Phe and p.Ser217Cys) have been determined to be pathogenic (PMID: 11468277, 17277738, 19515849, 22312189, 31077882). This suggests that this is a clinically significant region of the protein, and that variants that disrupt it are likely to be disease-causing. This variant has not been reported in the literature in individuals affected with FOXL2-related conditions. This variant is not present in population databases (gnomAD no frequency). This variant, c.376_705del, results in the deletion of 110 amino acid(s) of the FOXL2 protein (p.Asn126_Gly235del), but otherwise preserves the integrity of the reading frame.

Literature cited by the submitters: PubMed 11468277; PubMed 17277738; PubMed 19515849; PubMed 22312189; PubMed 31077882.

NM_023067.4(FOXL2):c.376_705del (p.Asn126_Gly235del)

Gene: FOXL2 (forkhead box L2; minus strand). Cytogenetic location: 3q22.3.
Variant type: Deletion.
Coding change: c.376_705del on transcript NM_023067.4 (MANE Select); coding-DNA positions 376 to 705, 330 bases deleted.
Protein change: p.Asn126_Gly235del.
Molecular consequence: inframe deletion.
Genome position (GRCh38, 1-based): chr3:138,946,018-138,946,347, 330 bases deleted. GRCh37 (hg19): chr3:138,664,864-138,665,193.
Identifiers: ClinVar variation 2815555 (VCV002815555.3), dbSNP rs2473812779, ClinGen allele CA2739278055.